The following is an entry in ClinVar:

ClinVar aggregate classification (germline): Likely pathogenic (1 of 4 stars; one submission).

gnomAD v4.1: 2 of 1,613,638 alleles (0.00012%); highest among the groups gnomAD compares: South Asian, 0.0022%; no homozygotes.

Submission:

Labcorp Genetics (formerly Invitae), Labcorp
Classification: Likely pathogenic. Last evaluated: 2024-11-30. Review status: criteria provided, single submitter. Criteria: Invitae Variant Classification Sherloc (09022015). Collection method: clinical testing. Allele origin: germline.
Comment: This sequence change affects a donor splice site in intron 35 of the SPTA1 gene. It is expected to disrupt RNA splicing. Variants that disrupt the donor or acceptor splice site typically lead to a loss of protein function (PMID: 16199547), and loss-of-function variants in SPTA1 are known to be pathogenic (PMID: 9192783, 18815189, 31333484, 31723846, 32266426). This variant is present in population databases (no rsID available, gnomAD 0.003%). This variant has not been reported in the literature in individuals affected with SPTA1-related conditions. Algorithms developed to predict the effect of sequence changes on RNA splicing suggest that this variant may disrupt the consensus splice site. In summary, the currently available evidence indicates that the variant is pathogenic, but additional data are needed to prove that conclusively. Therefore, this variant has been classified as Likely Pathogenic.

Literature cited by the submitters: PubMed 16199547; PubMed 9192783; PubMed 18815189; PubMed 31333484; PubMed 31723846; PubMed 32266426.

NM_003126.4(SPTA1):c.4980+1G>A

Gene: SPTA1 (spectrin alpha, erythrocytic 1; minus strand). Cytogenetic location: 1q23.1.
Variant type: single nucleotide variant.
Coding change: c.4980+1G>A on transcript NM_003126.4 (MANE Select); the canonical splice donor site of the intron after coding-DNA position 4980, G replaced by A.
Molecular consequence: splice donor variant.
Genome position (GRCh38, 1-based): chr1:158,639,581, C>T on the plus strand (G>A on the coding strand, the complement: SPTA1 is on the minus strand). VCF-style: chr1-158639581-C-T. GRCh37 (hg19) VCF-style: chr1-158609371-C-T.
Identifiers: ClinVar variation 3726418 (VCV003726418.2).